The following is an entry in ClinVar:

NM_012470.4(TNPO3):c.582T>A (p.Asp194Glu)

Gene: TNPO3 (transportin 3; minus strand). Cytogenetic location: 7q32.1.
Variant type: single nucleotide variant.
Coding change: c.582T>A on transcript NM_012470.4 (MANE Select); coding-DNA position 582, T replaced by A.
Protein change: p.Asp194Glu; replaces aspartic acid 194 with glutamic acid.
Molecular consequence: missense variant. On other transcripts: non-coding transcript variant (18), intron variant (1).
Genome position (GRCh38, 1-based): chr7:129,005,130, A>T on the plus strand (T>A on the coding strand, the complement: TNPO3 is on the minus strand). VCF-style: chr7-129005130-A-T. GRCh37 (hg19) VCF-style: chr7-128645184-A-T.
Other names: c.582T>A, p.Asp194Glu (NM_001191028.3, NM_001382216.1, NM_001382218.1 and 4 more transcripts); c.663T>A, p.Asp221Glu (NM_001382217.1); c.553-3896T>A (NM_001382221.1); short protein forms D194E, D221E.
Identifiers: ClinVar variation 1019222 (VCV001019222.9), dbSNP rs148885407, ClinGen allele CA369242066.

ClinVar aggregate classification (germline): Uncertain significance (1 of 4 stars; one submission).

Conditions:
Autosomal dominant limb-girdle muscular dystrophy type 1F (LGMDD2). Also called: Limb-girdle muscular dystrophy, type 1F; MUSCULAR DYSTROPHY, LIMB-GIRDLE, AUTOSOMAL DOMINANT 2. Identifiers: Orphanet 55595, MedGen C1842062, MONDO:0012034, OMIM 608423.

gnomAD v4.1: 5 of 1,613,854 alleles (0.00031%); highest among the groups gnomAD compares: African/African-American, 0.0013%; no homozygotes.

Submission:

Labcorp Genetics (formerly Invitae), Labcorp
Classification: Uncertain significance for Autosomal dominant limb-girdle muscular dystrophy type 1F. Last evaluated: 2020-09-25. Review status: criteria provided, single submitter. Criteria: Invitae Variant Classification Sherloc (09022015). Collection method: clinical testing. Allele origin: germline.
Comment: In summary, the available evidence is currently insufficient to determine the role of this variant in disease. Therefore, it has been classified as a Variant of Uncertain Significance. Algorithms developed to predict the effect of missense changes on protein structure and function (SIFT, PolyPhen-2, Align-GVGD) all suggest that this variant is likely to be tolerated, but these predictions have not been confirmed by published functional studies and their clinical significance is uncertain. This variant has not been reported in the literature in individuals with TNPO3-related conditions. This variant is not present in population databases (ExAC no frequency). This sequence change replaces aspartic acid with glutamic acid at codon 194 of the TNPO3 protein (p.Asp194Glu). The aspartic acid residue is moderately conserved and there is a small physicochemical difference between aspartic acid and glutamic acid.